The following is an entry in ClinVar:

NM_023068.4(SIGLEC1):c.1962C>T (p.Ser654=)

Gene: SIGLEC1 (sialic acid binding Ig like lectin 1; minus strand). Cytogenetic location: 20p13.
Variant type: single nucleotide variant.
Coding change: c.1962C>T on transcript NM_023068.4 (MANE Select); coding-DNA position 1962, C replaced by T.
Protein change: p.Ser654=; no amino-acid change (serine 654 retained).
Molecular consequence: synonymous variant.
Genome position (GRCh38, 1-based): chr20:3,697,958, G>A on the plus strand (C>T on the coding strand, the complement: SIGLEC1 is on the minus strand). VCF-style: chr20-3697958-G-A. GRCh37 (hg19) VCF-style: chr20-3678605-G-A.
Other names: c.1962C>T, p.Ser654= (NM_001367089.1).
Identifiers: ClinVar variation 2652184 (VCV002652184.24), dbSNP rs144803831, ClinGen allele CA9746937.

ClinVar aggregate classification (germline): Likely benign (1 of 4 stars; one submission).

Allele frequency attached by ClinVar (database versions not stated): TOPMed 0.00068; gnomAD 0.00071; ExAC 0.00077; ESP Exome Variant Server 0.00092; gnomAD exomes 0.00102.
gnomAD v4.1: 1,596 of 1,612,114 alleles (0.099%); highest among the groups gnomAD compares: Non-Finnish European, 0.12%; 1 homozygote.

Submission:

CeGaT Center for Human Genetics Tuebingen
Classification: Likely benign. Last evaluated: 2023-03-01. Review status: criteria provided, single submitter. Criteria: CeGaT Center For Human Genetics Tuebingen Variant Classification Criteria Version 2. Collection method: clinical testing. Allele origin: germline. Affected: yes. Observed: 1 variant allele.
Comment: SIGLEC1: BP4, BP7